The following is an entry in ClinVar:

ClinVar aggregate classification (germline): Uncertain significance. Review status: criteria provided, multiple submitters, no conflicts (2 of 4 stars). 2 submissions from 2 submitters: Uncertain significance (2). Last evaluated 2022-05-25.

Conditions:
Mitochondrial trifunctional protein deficiency. Identifiers: Orphanet 746, MedGen C1969443, MONDO:0012172.

Allele frequency attached by ClinVar (database versions not stated): ExAC 0.00003; TOPMed 0.00005; gnomAD exomes 0.00006; ESP Exome Variant Server 0.00008; gnomAD 0.00008.
gnomAD v4.1: 93 of 1,560,428 alleles (0.006%); highest among the groups gnomAD compares: Non-Finnish European, 0.0074%; no homozygotes.

Submissions (2):

Labcorp Genetics (formerly Invitae), Labcorp
Classification: Uncertain significance for Mitochondrial trifunctional protein deficiency. Last evaluated: 2022-05-25. Review status: criteria provided, single submitter. Criteria: Invitae Variant Classification Sherloc (09022015). Collection method: clinical testing. Allele origin: germline.
Comment: This sequence change replaces alanine, which is neutral and non-polar, with proline, which is neutral and non-polar, at codon 37 of the HADHB protein (p.Ala37Pro). This variant also falls at the last nucleotide of exon 3, which is part of the consensus splice site for this exon. This variant is present in population databases (rs201078199, gnomAD 0.009%). This variant has not been reported in the literature in individuals affected with HADHB-related conditions. Algorithms developed to predict the effect of missense changes on protein structure and function (SIFT, PolyPhen-2, Align-GVGD) all suggest that this variant is likely to be tolerated. Variants that disrupt the consensus splice site are a relatively common cause of aberrant splicing (PMID: 17576681, 9536098). Algorithms developed to predict the effect of sequence changes on RNA splicing suggest that this variant may disrupt the consensus splice site. In summary, the available evidence is currently insufficient to determine the role of this variant in disease. Therefore, it has been classified as a Variant of Uncertain Significance.

Mayo Clinic Laboratories, Mayo Clinic
Classification: Uncertain significance. Last evaluated: 2022-04-13. Review status: criteria provided, single submitter. Criteria: ACMG Guidelines, 2015. Collection method: clinical testing. Allele origin: germline. Observed: 1 variant allele.
Comment: PP3, PM2

Literature cited by the submitters: PubMed 17576681 (cited by Labcorp Genetics (formerly Invitae), Labcorp); PubMed 9536098 (cited by Labcorp Genetics (formerly Invitae), Labcorp).

NM_000183.3(HADHB):c.109G>C (p.Ala37Pro)

Gene: HADHB (hydroxyacyl-CoA dehydrogenase trifunctional multienzyme complex subunit beta; plus strand). Cytogenetic location: 2p23.3.
Variant type: single nucleotide variant.
Coding change: c.109G>C on transcript NM_000183.3 (MANE Select); coding-DNA position 109, G replaced by C.
Protein change: p.Ala37Pro; replaces alanine 37 with proline.
Molecular consequence: missense variant. On other transcripts: 5 prime UTR variant (1).
Genome position (GRCh38, 1-based): chr2:26,254,474, G>C. VCF-style: chr2-26254474-G-C. GRCh37 (hg19) VCF-style: chr2-26477342-G-C.
Other names: p.Ala37Pro; c.109G>C (NM_000183.2); c.109G>C, p.Ala37Pro (NM_001281512.2); c.-41G>C (NM_001281513.2); short protein forms A37P.
Identifiers: ClinVar variation 2155029 (VCV002155029.2), dbSNP rs201078199, ClinGen allele CA1560087.